The following is an entry in ClinVar:

NM_153240.5(NPHP3):c.1425T>C (p.Asp475=)

Genes: NPHP3 (nephrocystin 3; minus strand), NPHP3-ACAD11 (NPHP3-ACAD11 readthrough (NMD candidate); minus strand). Cytogenetic location: 3q22.1.
Variant type: single nucleotide variant.
Coding change: c.1425T>C on transcript NM_153240.5 (MANE Select); coding-DNA position 1425, T replaced by C.
Protein change: p.Asp475=; no amino-acid change (aspartic acid 475 retained).
Molecular consequence: synonymous variant. On other transcripts: non-coding transcript variant (1).
Genome position (GRCh38, 1-based): chr3:132,704,297, A>G on the plus strand (T>C on the coding strand, the complement: NPHP3 is on the minus strand). VCF-style: chr3-132704297-A-G. GRCh37 (hg19) VCF-style: chr3-132423141-A-G.
Identifiers: ClinVar variation 416581 (VCV000416581.11), dbSNP rs369725128, ClinGen allele CA2622307.

ClinVar aggregate classification (germline): Likely benign. Review status: criteria provided, multiple submitters, no conflicts (2 of 4 stars). 3 submissions from 3 submitters: Likely benign (3). Last evaluated 2025-05-28.

Conditions:
NPHP3-related disorder. Also called: NPHP3-related condition; NPHP3-related disorders. Identifiers: MedGen CN379163.
Nephronophthisis. Also called: Juvenile Nephronophthisis. Identifiers: Orphanet 655, MedGen C0687120, MONDO:0019005, HP:0000090.

Allele frequency attached by ClinVar (database versions not stated): TOPMed below 0.00001; gnomAD 0.00001; gnomAD exomes 0.00001 and 0.00002; ExAC 0.00002; ESP Exome Variant Server 0.00008.
gnomAD v4.1: 27 of 1,614,036 alleles (0.0017%); highest among the groups gnomAD compares: Non-Finnish European, 0.0022%; no homozygotes.

Submissions (3):

PreventionGenetics, part of Exact Sciences
Classification: Likely benign for NPHP3-related condition. Last evaluated: 2025-05-28. Review status: criteria provided, single submitter. Criteria: ACMG Guidelines, 2015. Collection method: clinical testing. Allele origin: germline.
Comment: This variant is classified as likely benign based on ACMG/AMP sequence variant interpretation guidelines (Richards et al. 2015 PMID: 25741868, with internal and published modifications).

Labcorp Genetics (formerly Invitae), Labcorp
Classification: Likely benign for Nephronophthisis. Last evaluated: 2022-10-24. Review status: criteria provided, single submitter. Criteria: Invitae Variant Classification Sherloc (09022015). Collection method: clinical testing. Allele origin: germline.

Blueprint Genetics
Classification: Likely benign. Last evaluated: 2019-09-24. Review status: criteria provided, single submitter. Criteria: ACMG Guidelines, 2015. Collection method: clinical testing. Allele origin: germline.